The following is an entry in ClinVar:

NM_004984.4(KIF5A):c.280C>T (p.His94Tyr)

Gene: KIF5A (kinesin family member 5A; plus strand). Cytogenetic location: 12q13.3.
Variant type: single nucleotide variant.
Coding change: c.280C>T on transcript NM_004984.4 (MANE Select); coding-DNA position 280, C replaced by T.
Protein change: p.His94Tyr; replaces histidine 94 with tyrosine.
Molecular consequence: missense variant. On other transcripts: intron variant (1).
Genome position (GRCh38, 1-based): chr12:57,563,682, C>T. VCF-style: chr12-57563682-C-T. GRCh37 (hg19) VCF-style: chr12-57957465-C-T.
Other names: c.130-778C>T (NM_001354705.2); short protein forms H94Y.
Identifiers: ClinVar variation 2416991 (VCV002416991.6), dbSNP rs2540493241, ClinGen allele CA385493649.

ClinVar aggregate classification (germline): Uncertain significance (1 of 4 stars; one submission).

Conditions:
Spastic paraplegia. Identifiers: MedGen C0037772, HP:0001258.

Submission:

Labcorp Genetics (formerly Invitae), Labcorp
Classification: Uncertain significance for Spastic paraplegia. Last evaluated: 2022-04-12. Review status: criteria provided, single submitter. Criteria: Invitae Variant Classification Sherloc (09022015). Collection method: clinical testing. Allele origin: germline.
Comment: This variant has not been reported in the literature in individuals affected with KIF5A-related conditions. In summary, the available evidence is currently insufficient to determine the role of this variant in disease. Therefore, it has been classified as a Variant of Uncertain Significance. Advanced modeling of protein sequence and biophysical properties (such as structural, functional, and spatial information, amino acid conservation, physicochemical variation, residue mobility, and thermodynamic stability) performed at Invitae indicates that this missense variant is not expected to disrupt KIF5A protein function. This variant is not present in population databases (gnomAD no frequency). This sequence change replaces histidine, which is basic and polar, with tyrosine, which is neutral and polar, at codon 94 of the KIF5A protein (p.His94Tyr).